The following is an entry in ClinVar:

ClinVar aggregate classification (germline): Uncertain significance (1 of 4 stars; one submission).

Conditions:
Angelman syndrome (AS). Also called: HAPPY PUPPET SYNDROME. Identifiers: Orphanet 72, MedGen C0162635, MONDO:0007113, OMIM 105830. Disease mechanism: loss of function. Inheritance: AS is caused by disruption of maternally imprinted UBE3A located within the 15q11.2-q13 Angelman syndrome/Prader-Willi syndrome (AS/PWS) region., imprinting disorder.

Submission:

Labcorp Genetics (formerly Invitae), Labcorp
Classification: Uncertain significance for Angelman syndrome. Last evaluated: 2024-05-15. Review status: criteria provided, single submitter. Criteria: Invitae Variant Classification Sherloc (09022015). Collection method: clinical testing. Allele origin: germline.
Comment: This sequence change replaces serine, which is neutral and polar, with phenylalanine, which is neutral and non-polar, at codon 84 of the UBE3A protein (p.Ser84Phe). This variant is not present in population databases (gnomAD no frequency). This variant has not been reported in the literature in individuals affected with UBE3A-related conditions. Advanced modeling of protein sequence and biophysical properties (such as structural, functional, and spatial information, amino acid conservation, physicochemical variation, residue mobility, and thermodynamic stability) has been performed at Invitae for this missense variant, however the output from this modeling did not meet the statistical confidence thresholds required to predict the impact of this variant on UBE3A protein function. In summary, the available evidence is currently insufficient to determine the role of this variant in disease. Therefore, it has been classified as a Variant of Uncertain Significance.

NM_130839.5(UBE3A):c.311C>T (p.Ser104Phe)

Genes: SNHG14 (small nucleolar RNA host gene 14; plus strand), UBE3A (ubiquitin protein ligase E3A; minus strand). Cytogenetic location: 15q11.2.
Variant type: single nucleotide variant.
Coding change: c.311C>T on transcript NM_130839.5 (MANE Select); coding-DNA position 311, C replaced by T.
Protein change: p.Ser104Phe; replaces serine 104 with phenylalanine.
Molecular consequence: missense variant. On other transcripts: non-coding transcript variant (1).
Genome position (GRCh38, 1-based): chr15:25,375,515, G>A on the plus strand (C>T on the coding strand, the complement: UBE3A is on the minus strand). VCF-style: chr15-25375515-G-A. GRCh37 (hg19) VCF-style: chr15-25620662-G-A.
Other names: c.320C>T, p.Ser107Phe (NM_000462.5); c.311C>T, p.Ser104Phe (NM_001354505.1, NM_001354538.2, NM_001354545.2 and 1 more transcripts); c.251C>T, p.Ser84Phe (NM_001354506.2, NM_001354507.2, NM_001354508.2 and 18 more transcripts); c.134C>T, p.Ser45Phe (NM_001354546.2); short protein forms S107F, S104F, S84F, S45F.
Identifiers: ClinVar variation 2842976 (VCV002842976.3), dbSNP rs2552193009, ClinGen allele CA391356160.